The following is an entry in ClinVar:

ClinVar aggregate classification (germline): Pathogenic (1 of 4 stars; one submission).

Conditions:
Autosomal recessive limb-girdle muscular dystrophy. Identifiers: Orphanet 102015, MedGen C2931907, MONDO:0015152.

Submission:

Myriad Genetics, Inc.
Classification: Pathogenic for Autosomal recessive limb-girdle muscular dystrophy. Last evaluated: 2023-09-27. Review status: criteria provided, single submitter. Criteria: Myriad Autosomal Dominant, Autosomal Recessive and X-Linked Classification Criteria (2023). Collection method: clinical testing. Allele origin: unknown.
Comment: NM_003494.3(DYSF):c.3740dupC(S1248Efs*28) is expected to be pathogenic in the context of dysferlinopathy. This variant is predicted to lead to an abnormal or absent protein product due to the creation of a premature termination codon in DYSF, a gene where loss-of-function variants are known to be pathogenic. Please note: this variant was assessed in the context of healthy population screening.

NM_001130987.2(DYSF):c.3794dup (p.Ser1266fs)

Gene: DYSF (dysferlin; plus strand). Cytogenetic location: 2p13.2.
Variant type: Duplication.
Coding change: c.3794dup on transcript NM_001130987.2 (MANE Select); coding-DNA position 3794, one base duplicated (C; older notation c.3794dupC).
Protein change: p.Ser1266fs; shifts the reading frame from serine 1266.
Molecular consequence: frameshift variant.
Genome position (GRCh38, 1-based): chr2:71,600,739, C duplicated; the last of 2 consecutive C bases (chr2:71,600,738-71,600,739); duplicating either gives the same sequence. VCF-style (leftmost placement, unchanged base first): chr2-71600737-A-AC. GRCh37 (hg19) VCF-style: chr2-71827867-A-AC.
Other names: c.3743dup, p.Ser1249fs (NM_001130455.2, NM_001130983.2); c.3698dup, p.Ser1234fs (NM_001130976.2, NM_001130977.2); c.3740dup, p.Ser1248fs (NM_001130978.2, NM_003494.4); c.3833dup, p.Ser1279fs (NM_001130979.2); c.3791dup, p.Ser1265fs (NM_001130980.2, NM_001130981.2); c.3836dup, p.Ser1280fs (NM_001130982.2); c.3701dup, p.Ser1235fs (NM_001130984.2, NM_001130986.2); c.3794dup, p.Ser1266fs (NM_001130985.2); short protein forms S1234fs, S1235fs, S1248fs, S1249fs, S1265fs, S1266fs, S1279fs, S1280fs.
Identifiers: ClinVar variation 5011834 (VCV005011834.1).